The following is an entry in ClinVar:

ClinVar aggregate classification (germline): Likely pathogenic (1 of 4 stars; one submission).

Conditions:
Congenital lactic acidosis, Saguenay-Lac-Saint-Jean type (MC4DN5). Also called: MITOCHONDRIAL COMPLEX IV DEFICIENCY, NUCLEAR TYPE 5; CYTOCHROME c OXIDASE DEFICIENCY, FRENCH CANADIAN TYPE; COX DEFICIENCY, FRENCH CANADIAN TYPE. Identifiers: Orphanet 70472, MedGen C1857355, MONDO:0009069, OMIM 220111.

Submission:

Myriad Genetics, Inc.
Classification: Likely pathogenic for Congenital lactic acidosis, Saguenay-Lac-Saint-Jean type. Last evaluated: 2022-01-24. Review status: criteria provided, single submitter. Criteria: Myriad Women's Health Autosomal Recessive and X-Linked Classification Criteria (2021). Collection method: clinical testing. Allele origin: unknown.
Comment: NM_133259.3(LRPPRC):c.1179C>A(Y393*) is expected to be pathogenic in the context of Leigh syndrome, French-Canadian type. This variant is predicted to lead to an abnormal or absent protein product due to the creation of a premature termination codon in LRPPRC, a gene where loss-of-function variants are known to be pathogenic. Please note: this variant was assessed in the context of healthy population screening.

NM_133259.4(LRPPRC):c.1179C>A (p.Tyr393Ter)

Gene: LRPPRC (leucine rich pentatricopeptide repeat containing; minus strand). Cytogenetic location: 2p21.
Variant type: single nucleotide variant.
Coding change: c.1179C>A on transcript NM_133259.4 (MANE Select); coding-DNA position 1179, C replaced by A.
Protein change: p.Tyr393Ter; replaces tyrosine 393 with a stop codon.
Molecular consequence: nonsense.
Genome position (GRCh38, 1-based): chr2:43,973,877, G>T on the plus strand (C>A on the coding strand, the complement: LRPPRC is on the minus strand). VCF-style: chr2-43973877-G-T. GRCh37 (hg19) VCF-style: chr2-44201016-G-T.
Other names: short protein forms Y393*.
Identifiers: ClinVar variation 1724059 (VCV001724059.2), dbSNP rs2466661325, ClinGen allele CA346672296.